The following is an entry in ClinVar:

NM_018646.6(TRPV6):c.298G>A (p.Ala100Thr)

Gene: TRPV6 (transient receptor potential cation channel subfamily V member 6; minus strand). Cytogenetic location: 7q34.
Variant type: single nucleotide variant.
Coding change: c.298G>A on transcript NM_018646.6 (MANE Select); coding-DNA position 298, G replaced by A.
Protein change: p.Ala100Thr; replaces alanine 100 with threonine.
Molecular consequence: missense variant.
Genome position (GRCh38, 1-based): chr7:142,877,977, C>T on the plus strand (G>A on the coding strand, the complement: TRPV6 is on the minus strand). VCF-style: chr7-142877977-C-T. GRCh37 (hg19) VCF-style: chr7-142575730-C-T.
Other names: short protein forms A100T.
Identifiers: ClinVar variation 3614136 (VCV003614136.2).

ClinVar aggregate classification (germline): Uncertain significance (1 of 4 stars; one submission).

Submission:

Labcorp Genetics (formerly Invitae), Labcorp
Classification: Uncertain significance. Last evaluated: 2024-04-22. Review status: criteria provided, single submitter. Criteria: Invitae Variant Classification Sherloc (09022015). Collection method: clinical testing. Allele origin: germline.
Comment: This sequence change replaces alanine, which is neutral and non-polar, with threonine, which is neutral and polar, at codon 100 of the TRPV6 protein (p.Ala100Thr). This variant is not present in population databases (gnomAD no frequency). This variant has not been reported in the literature in individuals affected with TRPV6-related conditions. Algorithms developed to predict the effect of missense changes on protein structure and function output the following: SIFT: "Not Available"; PolyPhen-2: "Not Available"; Align-GVGD: "Not Available". The threonine amino acid residue is found in multiple mammalian species, which suggests that this missense change does not adversely affect protein function. In summary, the available evidence is currently insufficient to determine the role of this variant in disease. Therefore, it has been classified as a Variant of Uncertain Significance.